The following is an entry in ClinVar:

ClinVar aggregate classification (germline): Uncertain significance. Review status: criteria provided, multiple submitters, no conflicts (2 of 4 stars). 2 submissions from 2 submitters: Uncertain significance (2). Last evaluated 2024-01-30.

Conditions:
BLTP1-related disorder. Also called: BLTP1-related condition.

Allele frequency attached by ClinVar (database versions not stated): TOPMed 0.00007; ESP Exome Variant Server 0.00008; gnomAD 0.00008; gnomAD exomes 0.00014; ExAC 0.00023.
gnomAD v4.1: 216 of 1,613,690 alleles (0.013%); highest among the groups gnomAD compares: South Asian, 0.07%; no homozygotes.

Submissions (2):

Ambry Genetics
Classification: Uncertain significance. Last evaluated: 2024-01-30. Review status: criteria provided, single submitter. Criteria: Ambry Variant Classification Scheme 2023. Collection method: clinical testing. Allele origin: germline.

PreventionGenetics, part of Exact Sciences
Classification: Uncertain significance for BLTP1-related condition. Last evaluated: 2023-09-13. Review status: criteria provided, single submitter. Criteria: ACMG Guidelines, 2015. Collection method: clinical testing. Allele origin: germline.
Comment: The BLTP1 c.9188A>G variant is predicted to result in the amino acid substitution p.His3063Arg. To our knowledge, this variant has not been reported in the literature. This variant is reported in 0.065% of alleles in individuals of South Asian descent in gnomAD. Although we suspect that this variant may be benign, at this time, the clinical significance of this variant is uncertain due to the absence of conclusive functional and genetic evidence.

NM_001384125.1(BLTP1):c.9188A>G (p.His3063Arg)

Gene: BLTP1 (bridge-like lipid transfer protein family member 1; plus strand). Cytogenetic location: 4q27.
Variant type: single nucleotide variant.
Coding change: c.9188A>G on transcript NM_001384125.1 (MANE Select); coding-DNA position 9188, A replaced by G.
Protein change: p.His3063Arg; replaces histidine 3063 with arginine.
Molecular consequence: missense variant.
Genome position (GRCh38, 1-based): chr4:122,286,691, A>G. VCF-style: chr4-122286691-A-G. GRCh37 (hg19) VCF-style: chr4-123207846-A-G.
Other names: c.9188A>G, p.His3063Arg (NM_015312.4); short protein forms H3063R.
Identifiers: ClinVar variation 2634744 (VCV002634744.2), dbSNP rs201849712, ClinGen allele CA3067319.